The following is an entry in ClinVar:

NM_032638.5(GATA2):c.1140C>A (p.His380Gln)

Gene: GATA2 (GATA binding protein 2; minus strand). Cytogenetic location: 3q21.3.
Variant type: single nucleotide variant.
Coding change: c.1140C>A on transcript NM_032638.5 (MANE Select); coding-DNA position 1140, C replaced by A.
Protein change: p.His380Gln; replaces histidine 380 with glutamine.
Molecular consequence: missense variant.
Genome position (GRCh38, 1-based): chr3:128,481,822, G>T on the plus strand (C>A on the coding strand, the complement: GATA2 is on the minus strand). VCF-style: chr3-128481822-G-T. GRCh37 (hg19) VCF-style: chr3-128200665-G-T.
Other names: c.1140C>A, p.His380Gln (NM_001145661.2); c.1098C>A, p.His366Gln (NM_001145662.1); short protein forms H366Q, H380Q.
Identifiers: ClinVar variation 4824108 (VCV004824108.1).

ClinVar aggregate classification (germline): Uncertain significance (1 of 4 stars; one submission).

Conditions:
Inborn genetic diseases. Identifiers: MedGen C0950123, MeSH D030342.

Submission:

Ambry Genetics
Classification: Uncertain significance for Inborn genetic diseases. Last evaluated: 2026-02-03. Review status: criteria provided, single submitter. Criteria: Ambry Variant Classification Scheme 2023. Collection method: clinical testing. Allele origin: germline.
Comment: The p.H380Q variant (also known as c.1140C>A), located in coding exon 4 of the GATA2 gene, results from a C to A substitution at nucleotide position 1140. The histidine at codon 380 is replaced by glutamine, an amino acid with highly similar properties. This amino acid position is highly conserved in available vertebrate species. In addition, this alteration is predicted to be deleterious by in silico analysis. Based on the available evidence, the clinical significance of this variant remains unclear.